The following is an entry in ClinVar:

NM_014915.3(ANKRD26):c.977C>T (p.Thr326Ile)

Gene: ANKRD26 (ankyrin repeat domain 26; minus strand). Cytogenetic location: 10p12.1.
Variant type: single nucleotide variant.
Coding change: c.977C>T on transcript NM_014915.3 (MANE Select); coding-DNA position 977, C replaced by T.
Protein change: p.Thr326Ile; replaces threonine 326 with isoleucine.
Molecular consequence: missense variant.
Genome position (GRCh38, 1-based): chr10:27,077,438, G>A on the plus strand (C>T on the coding strand, the complement: ANKRD26 is on the minus strand). VCF-style: chr10-27077438-G-A. GRCh37 (hg19) VCF-style: chr10-27366367-G-A.
Other names: c.977C>T, p.Thr326Ile (NM_001256053.2); short protein forms T326I.
Identifiers: ClinVar variation 5022961 (VCV005022961.1).

ClinVar aggregate classification (germline): Uncertain significance (1 of 4 stars; one submission).

Conditions:
Inborn genetic diseases. Identifiers: MedGen C0950123, MeSH D030342.

Submission:

Ambry Genetics
Classification: Uncertain significance for Inborn genetic diseases. Last evaluated: 2026-07-05. Review status: criteria provided, single submitter. Criteria: Ambry Variant Classification Scheme 2023. Collection method: clinical testing. Allele origin: germline.
Comment: The p.T326I variant (also known as c.977C>T), located in coding exon 9 of the ANKRD26 gene, results from a C to T substitution at nucleotide position 977. The threonine at codon 326 is replaced by isoleucine, an amino acid with similar properties. This amino acid position is conserved. In addition, this alteration is predicted to be tolerated by in silico analysis. Based on the available evidence, the clinical significance of this variant remains unclear.